The following is an entry in ClinVar:

ClinVar aggregate classification (germline): Conflicting classifications of pathogenicity. Review status: criteria provided, conflicting classifications (1 of 4 stars). 5 submissions from 5 submitters: Uncertain significance (1); Benign (1); Likely benign (3). Last evaluated 2025-05-12.

Conditions:
Hereditary cancer-predisposing syndrome. Also called: Tumor predisposition; Hereditary neoplastic syndrome; Neoplastic Syndromes, Hereditary; Hereditary Cancer Syndrome. Identifiers: Orphanet 140162, MedGen C0027672, MeSH D009386, MONDO:0015356.
Fanconi anemia complementation group N. Also called: PALB2-Related Fanconi Anemia. Identifiers: Orphanet 84, MedGen C1835817, MONDO:0012565, OMIM 610832. Disease mechanism: loss of function.
Familial cancer of breast. Also called: BREAST CANCER, FAMILIAL; Hereditary breast cancer; hereditary breast carcinoma. Identifiers: Orphanet 227535, MedGen C0346153, MONDO:0016419, OMIM 114480. Disease mechanism: loss of function.

Allele frequency attached by ClinVar (database versions not stated): gnomAD exomes 0.00001.
gnomAD v4.1: 8 of 1,613,318 alleles (0.0005%); highest among the groups gnomAD compares: African/African-American, 0.0013%; no homozygotes.

Submissions (5):

Labcorp Genetics (formerly Invitae), Labcorp
Classification: Likely benign for Familial cancer of breast. Last evaluated: 2025-05-12. Review status: criteria provided, single submitter. Criteria: Invitae Variant Classification Sherloc (09022015). Collection method: clinical testing. Allele origin: germline.

Myriad Genetics, Inc.
Classification: Benign for Familial cancer of breast. Last evaluated: 2025-01-16. Review status: criteria provided, single submitter. Criteria: Myriad Autosomal Dominant, Autosomal Recessive and X-Linked Classification Criteria (2023). Collection method: clinical testing. Allele origin: unknown.
Comment: This variant is considered benign. This variant is a silent/synonymous amino acid change and it is not expected to impact splicing.

Color Diagnostics, LLC DBA Color Health
Classification: Likely benign for Hereditary cancer-predisposing syndrome. Last evaluated: 2021-01-12. Review status: criteria provided, single submitter. Criteria: ACMG Guidelines, 2015. Collection method: clinical testing. Allele origin: germline.

GeneDx
Classification: Uncertain significance. Last evaluated: 2017-02-08. Review status: criteria provided, single submitter. Criteria: GeneDx Variant Classification (06012015). Collection method: clinical testing. Allele origin: germline. Affected: yes.
Comment: This variant is denoted PALB2 c.2571G>A at the DNA level. This variant is silent at the coding level, preserving a Leucine at codon 857. It is not predicted to cause abnormal splicing. This variant has not, to our knowledge, been published in the literature as being pathogenic or benign. PALB2 c.2571G>A was not observed in approximately 6,500 individuals of European and African American ancestry in the NHLBI Exome Sequencing Project, indicating it is not a common benign variant in these populations. The nucleotide which is altered, a guanine (G) at base 2571, is conserved through mammals. Based on currently available information, it is unclear whether PALB2 c.2571G>A is a pathogenic or benign variant. We consider it to be a variant of uncertain significance.

Ambry Genetics
Classification: Likely benign for Hereditary cancer-predisposing syndrome. Last evaluated: 2015-10-08. Review status: criteria provided, single submitter. Criteria: Ambry Variant Classification Scheme 2023. Collection method: clinical testing. Allele origin: germline.

NM_024675.4(PALB2):c.2571G>A (p.Leu857=)

Gene: PALB2 (partner and localizer of BRCA2; minus strand). Cytogenetic location: 16p12.2.
Variant type: single nucleotide variant.
Coding change: c.2571G>A on transcript NM_024675.4 (MANE Select); coding-DNA position 2571, G replaced by A.
Protein change: p.Leu857=; no amino-acid change (leucine 857 retained).
Molecular consequence: synonymous variant.
Genome position (GRCh38, 1-based): chr16:23,629,219, C>T on the plus strand (G>A on the coding strand, the complement: PALB2 is on the minus strand). VCF-style: chr16-23629219-C-T. GRCh37 (hg19) VCF-style: chr16-23640540-C-T.
Identifiers: ClinVar variation 136134 (VCV000136134.26), dbSNP rs587780821, ClinGen allele CA332973.